The following is an entry in ClinVar:

NM_002547.3(OPHN1):c.367C>A (p.Gln123Lys)

Gene: OPHN1 (oligophrenin 1; minus strand). Cytogenetic location: Xq12.
Variant type: single nucleotide variant.
Coding change: c.367C>A on transcript NM_002547.3 (MANE Select); coding-DNA position 367, C replaced by A.
Protein change: p.Gln123Lys; replaces glutamine 123 with lysine.
Molecular consequence: missense variant.
Genome position (GRCh38, 1-based): chrX:68,274,755, G>T on the plus strand (C>A on the coding strand, the complement: OPHN1 is on the minus strand). VCF-style: chrX-68274755-G-T. GRCh37 (hg19) VCF-style: chrX-67494597-G-T.
Other names: short protein forms Q123K.
Identifiers: ClinVar variation 1722092 (VCV001722092.5), dbSNP rs2519896576, ClinGen allele CA413434113.
Genomic context (GRCh38, chrX:68,274,755, plus strand): 5'-GATTGCTATTTTAAAAAATCTTATGCATATACAGAAAATGTACCTTGGTGAAGCCTATTT[G>T]TTCCTTCCGGAAATTTTCCAAGGGTTTAATCAGCAAATCACTAGCATTGTGTACCTAGAC-3'
Protein context (NP_002538.1, residues 113-133): IKPLENFRKE[Gln123Lys]IGFTKERKKK

ClinVar aggregate classification (germline): Uncertain significance (1 of 4 stars; one submission).

Submission:

Labcorp Genetics (formerly Invitae), Labcorp
Classification: Uncertain significance. Last evaluated: 2022-10-23. Review status: criteria provided, single submitter. Criteria: Invitae Variant Classification Sherloc (09022015). Collection method: clinical testing. Allele origin: germline.
Comment: In summary, the available evidence is currently insufficient to determine the role of this variant in disease. Therefore, it has been classified as a Variant of Uncertain Significance. Algorithms developed to predict the effect of missense changes on protein structure and function are either unavailable or do not agree on the potential impact of this missense change (SIFT: "Deleterious"; PolyPhen-2: "Benign"; Align-GVGD: "Class C0"). This variant has not been reported in the literature in individuals affected with OPHN1-related conditions. This variant is not present in population databases (gnomAD no frequency). This sequence change replaces glutamine, which is neutral and polar, with lysine, which is basic and polar, at codon 123 of the OPHN1 protein (p.Gln123Lys).